The following is an entry in ClinVar:

ClinVar aggregate classification (germline): Pathogenic. Review status: criteria provided, multiple submitters, no conflicts (2 of 4 stars). 2 submissions from 2 submitters: Pathogenic (2). Last evaluated 2024-02-01.

Conditions:
Arrhythmogenic right ventricular dysplasia 9 (ARVD9). Also called: Arrhythmogenic Right Ventricular Dysplasia/Cardiomyopathy 9; ARRHYTHMOGENIC RIGHT VENTRICULAR DYSPLASIA, FAMILIAL, 9. Identifiers: MedGen C1836906, MONDO:0012180, OMIM 609040.

Submissions (2):

Labcorp Genetics (formerly Invitae), Labcorp
Classification: Pathogenic for Arrhythmogenic right ventricular dysplasia 9. Last evaluated: 2024-02-01. Review status: criteria provided, single submitter. Criteria: Invitae Variant Classification Sherloc (09022015). Collection method: clinical testing. Allele origin: germline.
Comment: This sequence change creates a premature translational stop signal (p.Gln699*) in the PKP2 gene. It is expected to result in an absent or disrupted protein product. Loss-of-function variants in PKP2 are known to be pathogenic (PMID: 15489853, 17041889, 23911551). This variant is not present in population databases (gnomAD no frequency). This premature translational stop signal has been observed in individual(s) with arrhythmogenic right ventricular cardiomyopathy (PMID: 15489853, 23514727). ClinVar contains an entry for this variant (Variation ID: 2137311). For these reasons, this variant has been classified as Pathogenic.

GeneDx
Classification: Pathogenic. Last evaluated: 2023-09-28. Review status: criteria provided, single submitter. Criteria: GeneDx Variant Classification Process June 2021. Collection method: clinical testing. Allele origin: germline. Affected: yes.
Comment: Identified in unrelated patients with ARVC in published literature (PMID: 23514727, 15489853); Nonsense variant predicted to result in protein truncation or nonsense mediated decay in a gene for which loss of function is a known mechanism of disease; Not observed at significant frequency in large population cohorts (gnomAD); This variant is associated with the following publications: (PMID: 25525159, 15489853, 31402444, 23514727)

Literature cited by the submitters: PubMed 15489853 (cited by Labcorp Genetics (formerly Invitae), Labcorp); PubMed 17041889 (cited by Labcorp Genetics (formerly Invitae), Labcorp); PubMed 23911551 (cited by Labcorp Genetics (formerly Invitae), Labcorp); PubMed 23514727 (cited by Labcorp Genetics (formerly Invitae), Labcorp).

NM_001005242.3(PKP2):c.1963C>T (p.Gln655Ter)

Gene: PKP2 (plakophilin 2; minus strand). Cytogenetic location: 12p11.21.
Variant type: single nucleotide variant.
Coding change: c.1963C>T on transcript NM_001005242.3 (MANE Select); coding-DNA position 1963, C replaced by T.
Protein change: p.Gln655Ter; replaces glutamine 655 with a stop codon.
Molecular consequence: nonsense.
Genome position (GRCh38, 1-based): chr12:32,821,406, G>A on the plus strand (C>T on the coding strand, the complement: PKP2 is on the minus strand). VCF-style: chr12-32821406-G-A. GRCh37 (hg19) VCF-style: chr12-32974340-G-A.
Other names: c.1963C>T, p.Gln655Ter (NM_001407155.1, NM_001407161.1); c.1798C>T, p.Gln600Ter (NM_001407156.1); c.2095C>T, p.Gln699Ter (NM_001407157.1, NM_004572.4); c.1636C>T, p.Gln546Ter (NM_001407158.1, NM_001407159.1, NM_001407160.1 and 1 more transcripts); short protein forms Q655*, Q546*, Q600*, Q699*.
Identifiers: ClinVar variation 2137311 (VCV002137311.5), dbSNP rs1214999277, ClinGen allele CA384361694.